The following is an entry in ClinVar:

NM_000257.4(MYH7):c.2138_2139inv (p.Ile713Arg)

Gene: MYH7 (myosin heavy chain 7; minus strand). Cytogenetic location: 14q11.2.
Variant type: Inversion.
Coding change: c.2138_2139inv on transcript NM_000257.4 (MANE Select).
Protein change: p.Ile713Arg; replaces isoleucine 713 with arginine.
Molecular consequence: missense variant.
Genome position: GRCh38 VCF-style: chr14-23425987-GA-TC. GRCh37 (hg19) VCF-style: chr14-23895196-GA-TC.
Other names: p.I713R:ATC>AGA; c.2138_2139delTCinsGA (LRG_384t1, NM_000257.2); c.2138_2139delinsGA (NM_000257.2); short protein forms I713R.
Identifiers: ClinVar variation 181359 (VCV000181359.12), ClinGen allele CA011765.
Genomic context (GRCh38, chr14:23,425,987, plus strand): 5'-CCCTGTTCTATGAGCTCTGGTGCACCCTCATACCCACCTCTGCCGGAAGTCCCCGTAGAG[GA>TC]TGCGGTTGGGGAAGCCTTTCCTGCAGATGCGGATGCCCTCCAGCACACCATTGCAGCGCA-3'
Protein context (NP_000248.2, residues 703-723): RICRKGFPNR[Ile713Arg]LYGDFRQRYR

ClinVar aggregate classification (germline): Uncertain significance. Review status: criteria provided, multiple submitters, no conflicts (2 of 4 stars). 2 submissions from 2 submitters: Uncertain significance (2). Last evaluated 2025-02-11.

Conditions:
Hypertrophic cardiomyopathy. Also called: HYPERTROPHIC MYOCARDIOPATHY. Identifiers: Orphanet 217569, MedGen C0007194, MeSH D002312, MONDO:0005045, HP:0001639.

Submissions (2):

Labcorp Genetics (formerly Invitae), Labcorp
Classification: Uncertain significance for Hypertrophic cardiomyopathy. Last evaluated: 2025-02-11. Review status: criteria provided, single submitter. Criteria: Invitae Variant Classification Sherloc (09022015). Collection method: clinical testing. Allele origin: germline.
Comment: This sequence change replaces isoleucine, which is neutral and non-polar, with arginine, which is basic and polar, at codon 713 of the MYH7 protein (p.Ile713Arg). Information on the frequency of this variant in the gnomAD database is not available, as this variant may be reported differently in the database. This variant has not been reported in the literature in individuals affected with MYH7-related conditions. ClinVar contains an entry for this variant (Variation ID: 181359). An algorithm developed to predict the effect of missense changes on protein structure and function (PolyPhen-2) suggests that this variant is likely to be disruptive. This variant is found within a region of MYH7 between codons 181 and 937 that contains the majority of the myosin head domain. Missense variants in this region have been shown to be significantly overrepresented in individuals with hypertrophic cardiomyopathy (PMID: 27532257). In summary, the available evidence is currently insufficient to determine the role of this variant in disease. Therefore, it has been classified as a Variant of Uncertain Significance.

GeneDx
Classification: Uncertain significance. Last evaluated: 2024-07-23. Review status: criteria provided, single submitter. Criteria: GeneDx Variant Classification Process June 2021. Collection method: clinical testing. Allele origin: germline. Affected: yes.
Comment: This variant results in an in-frame deletion of one isoleucine amino acid and the insertion of one arginine amino acid at residue 713, denoted p.(I713R); Not observed at significant frequency in large population cohorts (gnomAD); In silico analysis supports a deleterious effect on protein structure/function; Has not been previously published as pathogenic or benign to our knowledge; This variant is associated with the following publications: (PMID: 27532257, 29300372)

Literature cited by the submitters: PubMed 27532257 (cited by Labcorp Genetics (formerly Invitae), Labcorp).